The following is an entry in ClinVar:

NM_001378454.1(ALMS1):c.3635C>G (p.Pro1212Arg)

Gene: ALMS1 (ALMS1 centrosome and basal body associated protein; plus strand). Cytogenetic location: 2p13.1.
Variant type: single nucleotide variant.
Coding change: c.3635C>G on transcript NM_001378454.1 (MANE Select); coding-DNA position 3635, C replaced by G.
Protein change: p.Pro1212Arg; replaces proline 1212 with arginine.
Molecular consequence: missense variant.
Genome position (GRCh38, 1-based): chr2:73,450,162, C>G. VCF-style: chr2-73450162-C-G. GRCh37 (hg19) VCF-style: chr2-73677289-C-G.
Other names: c.3638C>G, p.Pro1213Arg (NM_015120.4); short protein forms P1213R, P1212R.
Identifiers: ClinVar variation 2561875 (VCV002561875.2), dbSNP rs747033635, ClinGen allele CA1713564.

ClinVar aggregate classification (germline): Uncertain significance (1 of 4 stars; one submission).

Conditions:
Cardiovascular phenotype. Identifiers: MedGen CN230736.

Allele frequency attached by ClinVar (database versions not stated): ExAC 0.00001; TOPMed 0.00001.

Submission:

Ambry Genetics
Classification: Uncertain significance for Cardiovascular phenotype. Last evaluated: 2023-04-18. Review status: criteria provided, single submitter. Criteria: Ambry Variant Classification Scheme 2023. Collection method: clinical testing. Allele origin: germline.
Comment: The p.P1213R variant (also known as c.3638C>G), located in coding exon 8 of the ALMS1 gene, results from a C to G substitution at nucleotide position 3638. The proline at codon 1213 is replaced by arginine, an amino acid with dissimilar properties. This amino acid position is poorly conserved in available vertebrate species. In addition, this alteration is predicted to be tolerated by in silico analysis. Since supporting evidence is limited at this time, the clinical significance of this alteration remains unclear.